The following is an entry in ClinVar:

ClinVar aggregate classification (germline): Uncertain significance (1 of 4 stars; one submission).

Conditions:
Alpha-1-antitrypsin deficiency (A1ATD). Also called: AAT deficiency; A1AT deficiency; Alpha1-Antitrypsin Deficiency. Identifiers: Orphanet 60, MedGen C0221757, MONDO:0013282, OMIM 613490.

gnomAD v4.1: 6 of 1,613,986 alleles (0.00037%); highest among the groups gnomAD compares: Non-Finnish European, 0.00051%; no homozygotes.

Submission:

Labcorp Genetics (formerly Invitae), Labcorp
Classification: Uncertain significance for Alpha-1-antitrypsin deficiency. Last evaluated: 2025-06-25. Review status: criteria provided, single submitter. Criteria: Invitae Variant Classification Sherloc (09022015). Collection method: clinical testing. Allele origin: germline.
Comment: This sequence change replaces glycine, which is neutral and non-polar, with aspartic acid, which is acidic and polar, at codon 270 of the SERPINA1 protein (p.Gly270Asp). This variant is not present in population databases (gnomAD no frequency). This variant has not been reported in the literature in individuals affected with SERPINA1-related conditions. Invitae Evidence Modeling of protein sequence and biophysical properties (such as structural, functional, and spatial information, amino acid conservation, physicochemical variation, residue mobility, and thermodynamic stability) indicates that this missense variant is not expected to disrupt SERPINA1 protein function with a negative predictive value of 80%. In summary, the available evidence is currently insufficient to determine the role of this variant in disease. Therefore, it has been classified as a Variant of Uncertain Significance.

NM_000295.5(SERPINA1):c.809G>A (p.Gly270Asp)

Gene: SERPINA1 (serpin family A member 1; minus strand). Cytogenetic location: 14q32.13.
Variant type: single nucleotide variant.
Coding change: c.809G>A on transcript NM_000295.5 (MANE Select); coding-DNA position 809, G replaced by A.
Protein change: p.Gly270Asp; replaces glycine 270 with aspartic acid.
Molecular consequence: missense variant.
Genome position (GRCh38, 1-based): chr14:94,380,979, C>T on the plus strand (G>A on the coding strand, the complement: SERPINA1 is on the minus strand). VCF-style: chr14-94380979-C-T. GRCh37 (hg19) VCF-style: chr14-94847316-C-T.
Other names: c.809G>A, p.Gly270Asp (NM_001002235.3, NM_001127705.2, NM_001127706.2 and 7 more transcripts); short protein forms G270D.
Identifiers: ClinVar variation 4753091 (VCV004753091.1).